The following is an entry in ClinVar:

ClinVar aggregate classification (germline): Uncertain significance (1 of 4 stars; one submission).

Conditions:
Inborn genetic diseases. Identifiers: MedGen C0950123, MeSH D030342.

Submission:

Ambry Genetics
Classification: Uncertain significance for Inborn genetic diseases. Last evaluated: 2025-03-28. Review status: criteria provided, single submitter. Criteria: Ambry Variant Classification Scheme 2023. Collection method: clinical testing. Allele origin: germline.
Comment: The p.I191T variant (also known as c.572T>C), located in coding exon 6 of the RTEL1 gene, results from a T to C substitution at nucleotide position 572. The isoleucine at codon 191 is replaced by threonine, an amino acid with similar properties. This amino acid position is conserved. In addition, the in silico prediction for this alteration is inconclusive. Based on the available evidence, the clinical significance of this variant remains unclear.

NM_001283009.2(RTEL1):c.572T>C (p.Ile191Thr)

Genes: RTEL1 (regulator of telomere elongation helicase 1; plus strand), RTEL1-TNFRSF6B (RTEL1-TNFRSF6B readthrough (NMD candidate); plus strand). Cytogenetic location: 20q13.33.
Variant type: single nucleotide variant.
Coding change: c.572T>C on transcript NM_001283009.2 (MANE Select); coding-DNA position 572, T replaced by C.
Protein change: p.Ile191Thr; replaces isoleucine 191 with threonine.
Molecular consequence: missense variant. On other transcripts: non-coding transcript variant (1), 5 prime UTR variant (1).
Genome position (GRCh38, 1-based): chr20:63,666,037, T>C. VCF-style: chr20-63666037-T-C. GRCh37 (hg19) VCF-style: chr20-62297390-T-C.
Other names: c.-98T>C (NM_001283010.1); c.572T>C, p.Ile191Thr (NM_016434.4); c.644T>C, p.Ile215Thr (NM_032957.5); short protein forms I191T, I215T.
Identifiers: ClinVar variation 3948264 (VCV003948264.1).